The following is an entry in ClinVar:

NM_001232.4(CASQ2):c.736A>T (p.Arg246Ter)

Gene: CASQ2 (calsequestrin 2; minus strand). Cytogenetic location: 1p13.1.
Variant type: single nucleotide variant.
Coding change: c.736A>T on transcript NM_001232.4 (MANE Select); coding-DNA position 736, A replaced by T.
Protein change: p.Arg246Ter; replaces arginine 246 with a stop codon.
Molecular consequence: nonsense.
Genome position (GRCh38, 1-based): chr1:115,726,993, T>A on the plus strand (A>T on the coding strand, the complement: CASQ2 is on the minus strand). VCF-style: chr1-115726993-T-A. GRCh37 (hg19) VCF-style: chr1-116269614-T-A.
Other names: short protein forms R246*.
Identifiers: ClinVar variation 2505552 (VCV002505552.1), dbSNP rs1342655330, ClinGen allele CA341768613.

ClinVar aggregate classification (germline): Likely pathogenic (1 of 4 stars; one submission).

Conditions:
Catecholaminergic polymorphic ventricular tachycardia 2. Also called: CASQ2-Related Catecholaminergic Polymorphic Ventricular Tachycardia; VENTRICULAR TACHYCARDIA, STRESS-INDUCED POLYMORPHIC 2. Identifiers: Orphanet 3286, MedGen C2677794, MONDO:0012762, OMIM 611938.

Allele frequency attached by ClinVar (database versions not stated): TOPMed below 0.00001.

Submission:

Dr. med. U. Finckh, Human Genetics, Eurofins MVZ
Classification: Likely pathogenic for Catecholaminergic polymorphic ventricular tachycardia 2. Review status: criteria provided, single submitter. Criteria: ACMG Guidelines, 2015. Collection method: clinical testing. Allele origin: paternal.
Comment: Variant might lead to a nonsense codon and / or aberrant splicing. Loss of function is a known disease mechanism for CASQ2. Analysis failed to reveal a second possibly relevant variant (sequencing only). Possibly causal as affected heterozygotes have been described in the literature (PMID 12386154, 27157848).